The following is an entry in ClinVar:

ClinVar aggregate classification (germline): Uncertain significance (1 of 4 stars; one submission).

Conditions:
Intellectual developmental disorder, X-linked 1. Also called: Atkin Flaitz Patil Smith syndrome; Intellectual disability, X-linked 1; MENTAL RETARDATION, X-LINKED 18; MENTAL RETARDATION, X-LINKED 78. Identifiers: Orphanet 777, MedGen C2931498, MONDO:0010656, OMIM 309530.

Allele frequency attached by ClinVar (database versions not stated): gnomAD exomes below 0.00001 and 0.00001.
gnomAD v4.1: 1 of 1,211,323 alleles (0.000083%); highest among the groups gnomAD compares: African/African-American, 0.0017%; no homozygotes.

Submission:

Labcorp Genetics (formerly Invitae), Labcorp
Classification: Uncertain significance for Intellectual developmental disorder, X-linked 1. Last evaluated: 2021-06-19. Review status: criteria provided, single submitter. Criteria: Invitae Variant Classification Sherloc (09022015). Collection method: clinical testing. Allele origin: germline.
Comment: In summary, the available evidence is currently insufficient to determine the role of this variant in disease. Therefore, it has been classified as a Variant of Uncertain Significance. Algorithms developed to predict the effect of missense changes on protein structure and function (SIFT, PolyPhen-2, Align-GVGD) all suggest that this variant is likely to be tolerated, but these predictions have not been confirmed by published functional studies and their clinical significance is uncertain. This variant has not been reported in the literature in individuals with IQSEC2-related conditions. This variant is not present in population databases (ExAC no frequency). This sequence change replaces lysine with glutamic acid at codon 1056 of the IQSEC2 protein (p.Lys1056Glu). The lysine residue is moderately conserved and there is a small physicochemical difference between lysine and glutamic acid.

NM_001111125.3(IQSEC2):c.3166A>G (p.Lys1056Glu)

Gene: IQSEC2 (IQ motif and Sec7 domain ArfGEF 2; minus strand). Cytogenetic location: Xp11.22.
Variant type: single nucleotide variant.
Coding change: c.3166A>G on transcript NM_001111125.3 (MANE Select); coding-DNA position 3166, A replaced by G.
Protein change: p.Lys1056Glu; replaces lysine 1056 with glutamic acid.
Molecular consequence: missense variant.
Genome position (GRCh38, 1-based): chrX:53,238,256, T>C on the plus strand (A>G on the coding strand, the complement: IQSEC2 is on the minus strand). VCF-style: chrX-53238256-T-C. GRCh37 (hg19) VCF-style: chrX-53267438-T-C.
Other names: c.2551A>G, p.Lys851Glu (NM_015075.2); short protein forms K851E, K1056E.
Identifiers: ClinVar variation 1364491 (VCV001364491.8), dbSNP rs973062974, ClinGen allele CA329163046.